The following is an entry in ClinVar:

ClinVar aggregate classification (germline): Uncertain significance. Review status: criteria provided, multiple submitters, no conflicts (2 of 4 stars). 2 submissions from 2 submitters: Uncertain significance (2). Last evaluated 2024-01-23.

Conditions:
Inborn genetic diseases. Identifiers: MedGen C0950123, MeSH D030342.

Allele frequency attached by ClinVar (database versions not stated): gnomAD exomes 0.00001; ExAC 0.00002; TOPMed 0.00002; gnomAD 0.00003.
gnomAD v4.1: 21 of 1,613,974 alleles (0.0013%); highest among the groups gnomAD compares: East Asian, 0.0022%; no homozygotes.

Submissions (2):

Ambry Genetics
Classification: Uncertain significance for Inborn genetic diseases. Last evaluated: 2024-01-23. Review status: criteria provided, single submitter. Criteria: Ambry Variant Classification Scheme 2023. Collection method: clinical testing. Allele origin: germline.

Labcorp Genetics (formerly Invitae), Labcorp
Classification: Uncertain significance. Last evaluated: 2022-06-29. Review status: criteria provided, single submitter. Criteria: Invitae Variant Classification Sherloc (09022015). Collection method: clinical testing. Allele origin: germline.
Comment: This sequence change replaces isoleucine, which is neutral and non-polar, with valine, which is neutral and non-polar, at codon 618 of the NBAS protein (p.Ile618Val). This variant is present in population databases (rs755935903, gnomAD 0.006%). This variant has not been reported in the literature in individuals affected with NBAS-related conditions. Algorithms developed to predict the effect of missense changes on protein structure and function are either unavailable or do not agree on the potential impact of this missense change (SIFT: "Deleterious"; PolyPhen-2: "Benign"; Align-GVGD: "Class C25"). In summary, the available evidence is currently insufficient to determine the role of this variant in disease. Therefore, it has been classified as a Variant of Uncertain Significance.

NM_015909.4(NBAS):c.1852A>G (p.Ile618Val)

Gene: NBAS (NBAS subunit of NRZ tethering complex; minus strand). Cytogenetic location: 2p24.3.
Variant type: single nucleotide variant.
Coding change: c.1852A>G on transcript NM_015909.4 (MANE Select); coding-DNA position 1852, A replaced by G.
Protein change: p.Ile618Val; replaces isoleucine 618 with valine.
Molecular consequence: missense variant. On other transcripts: non-coding transcript variant (1).
Genome position (GRCh38, 1-based): chr2:15,468,407, T>C on the plus strand (A>G on the coding strand, the complement: NBAS is on the minus strand). VCF-style: chr2-15468407-T-C. GRCh37 (hg19) VCF-style: chr2-15608531-T-C.
Other names: c.1852A>G (NM_015909.2); short protein forms I618V.
Identifiers: ClinVar variation 2183481 (VCV002183481.2), dbSNP rs755935903, ClinGen allele CA1536544.
Genomic context (GRCh38, chr2:15,468,407, plus strand): 5'-CCTTTACTTTGAATCCAATTCTTTCTGTAACCAACCTGCCATCATCTGCTCCTTTCCCTA[T>C]TGCTAAAAGAGCCTCCAGGTCTGTGCCTTTTAATCCATACTGAAGCAGTTCTTTTGCAGC-3'
Protein context (NP_056993.2, residues 608-628): KGTDLEALLA[Ile618Val]GKGADDGRFT